The following is an entry in ClinVar:

ClinVar aggregate classification (germline): Uncertain significance. Review status: criteria provided, multiple submitters, no conflicts (2 of 4 stars). 2 submissions from 2 submitters: Uncertain significance (2). Last evaluated 2023-10-28.

Conditions:
Early Myoclonic Encephalopathy. Identifiers: MedGen C0270855.

Allele frequency attached by ClinVar (database versions not stated): ExAC 0.00001; gnomAD 0.00001; TOPMed below 0.00001; gnomAD exomes 0.00001.
gnomAD v4.1: 9 of 1,597,218 alleles (0.00056%); highest among the groups gnomAD compares: South Asian, 0.0011%; no homozygotes.

Submissions (2):

Labcorp Genetics (formerly Invitae), Labcorp
Classification: Uncertain significance for Early Myoclonic Encephalopathy. Last evaluated: 2023-10-28. Review status: criteria provided, single submitter. Criteria: Invitae Variant Classification Sherloc (09022015). Collection method: clinical testing. Allele origin: germline.
Comment: This sequence change replaces valine, which is neutral and non-polar, with isoleucine, which is neutral and non-polar, at codon 1952 of the JMJD1C protein (p.Val1952Ile). This variant is present in population databases (rs778331836, gnomAD 0.004%). This variant has not been reported in the literature in individuals affected with JMJD1C-related conditions. ClinVar contains an entry for this variant (Variation ID: 2493086). Advanced modeling of protein sequence and biophysical properties (such as structural, functional, and spatial information, amino acid conservation, physicochemical variation, residue mobility, and thermodynamic stability) performed at Invitae indicates that this missense variant is not expected to disrupt JMJD1C protein function with a negative predictive value of 80%. In summary, the available evidence is currently insufficient to determine the role of this variant in disease. Therefore, it has been classified as a Variant of Uncertain Significance.

Ambry Genetics
Classification: Uncertain significance. Last evaluated: 2023-03-02. Review status: criteria provided, single submitter. Criteria: Ambry Variant Classification Scheme 2023. Collection method: clinical testing. Allele origin: germline.

NM_032776.3(JMJD1C):c.5854G>A (p.Val1952Ile)

Gene: JMJD1C (jumonji domain containing 1C; minus strand). Cytogenetic location: 10q21.3.
Variant type: single nucleotide variant.
Coding change: c.5854G>A on transcript NM_032776.3 (MANE Select); coding-DNA position 5854, G replaced by A.
Protein change: p.Val1952Ile; replaces valine 1952 with isoleucine.
Molecular consequence: missense variant. On other transcripts: non-coding transcript variant (1).
Genome position (GRCh38, 1-based): chr10:63,193,353, C>T on the plus strand (G>A on the coding strand, the complement: JMJD1C is on the minus strand). VCF-style: chr10-63193353-C-T. GRCh37 (hg19) VCF-style: chr10-64953113-C-T.
Other names: c.5308G>A, p.Val1770Ile (NM_001282948.2, NM_001318154.2); c.4990G>A, p.Val1664Ile (NM_001318153.2); c.5740G>A, p.Val1914Ile (NM_001322252.2); c.5197G>A, p.Val1733Ile (NM_001322254.2, NM_001322258.2); short protein forms V1733I, V1664I, V1770I, V1914I, V1952I.
Identifiers: ClinVar variation 2493086 (VCV002493086.5), dbSNP rs778331836, ClinGen allele CA5518020.